The following is an entry in ClinVar:

ClinVar aggregate classification (germline): Pathogenic/Likely pathogenic. Review status: criteria provided, multiple submitters, no conflicts (2 of 4 stars). 3 submissions from 3 submitters: Pathogenic (2); Likely pathogenic (1). Last evaluated 2026-03-05.

Conditions:
Muscular dystrophy-dystroglycanopathy (congenital with brain and eye anomalies), type A5. Also called: WALKER-WARBURG SYNDROME OR MUSCLE-EYE-BRAIN DISEASE, FKRP-RELATED; MUSCULAR DYSTROPHY-DYSTROGLYCANOPATHY (CONGENITAL WITH BRAIN AND EYE ANOMALIES), TYPE A, 5. Identifiers: Orphanet 588, Orphanet 899, MedGen C3150413, MONDO:0013157, OMIM 613153.
Muscular dystrophy-dystroglycanopathy type B5 (MDDGB5). Also called: MUSCULAR DYSTROPHY-DYSTROGLYCANOPATHY (CONGENITAL WITH OR WITHOUT IMPAIRED INTELLECTUAL DEVELOPMENT), TYPE B, 5; MUSCULAR DYSTROPHY, CONGENITAL, 1C; MUSCULAR DYSTROPHY, CONGENITAL, FKRP-RELATED. Identifiers: MedGen C1847759, MONDO:0011688, OMIM 606612.
Autosomal recessive limb-girdle muscular dystrophy type 2I. Also called: MUSCULAR DYSTROPHY-DYSTROGLYCANOPATHY, LIMB-GIRDLE, FRKP-RELATED; MUSCULAR DYSTROPHY-DYSTROGLYCANOPATHY (LIMB-GIRDLE), TYPE C, 5; MUSCULAR DYSTROPHY, LIMB-GIRDLE, TYPE 2I. Identifiers: Orphanet 34515, MedGen C1846672, MONDO:0011787, OMIM 607155.
Walker-Warburg congenital muscular dystrophy. Also called: Muscular dystrophy-dystroglycanopathy, type A; Walker-Warburg syndrome. Identifiers: Orphanet 899, MedGen C0265221, MONDO:0000171.

Submissions (3):

Mendelics
Classification: Pathogenic for Autosomal recessive limb-girdle muscular dystrophy type 2I. Last evaluated: 2026-03-05. Review status: criteria provided, single submitter. Criteria: ACMG Guidelines, 2015. Collection method: clinical testing. Allele origin: unknown.
Comment: Likely pathogenic/Pathogenic according to ACMG criteria.

Fulgent Genetics
Classification: Likely pathogenic for Muscular dystrophy-dystroglycanopathy type B5; Autosomal recessive limb-girdle muscular dystrophy type 2I; Muscular dystrophy-dystroglycanopathy (congenital with brain and eye anomalies), type A5. Last evaluated: 2024-03-21. Review status: criteria provided, single submitter. Criteria: ACMG Guidelines, 2015. Collection method: clinical testing. Allele origin: germline.

Labcorp Genetics (formerly Invitae), Labcorp
Classification: Pathogenic for Walker-Warburg congenital muscular dystrophy. Last evaluated: 2022-07-04. Review status: criteria provided, single submitter. Criteria: Invitae Variant Classification Sherloc (09022015). Collection method: clinical testing. Allele origin: germline.
Comment: For these reasons, this variant has been classified as Pathogenic. This variant disrupts a region of the FKRP protein in which other variant(s) (p.Ile478Thr) have been determined to be pathogenic (PMID: 16476814, 18639457, 19299310). This suggests that this is a clinically significant region of the protein, and that variants that disrupt it are likely to be disease-causing. This variant has not been reported in the literature in individuals affected with FKRP-related conditions. This variant is not present in population databases (gnomAD no frequency). This sequence change creates a premature translational stop signal (p.Cys317Alafs*111) in the FKRP gene. While this is not anticipated to result in nonsense mediated decay, it is expected to disrupt the last 179 amino acid(s) of the FKRP protein.

Literature cited by the submitters: PubMed 16476814 (cited by Labcorp Genetics (formerly Invitae), Labcorp); PubMed 18639457 (cited by Labcorp Genetics (formerly Invitae), Labcorp); PubMed 19299310 (cited by Labcorp Genetics (formerly Invitae), Labcorp).

NM_024301.5(FKRP):c.949del (p.Cys317fs)

Gene: FKRP (fukutin related protein; plus strand). Cytogenetic location: 19q13.32.
Variant type: Deletion.
Coding change: c.949del on transcript NM_024301.5 (MANE Select); coding-DNA position 949, one base deleted (T; older notation c.949delT).
Protein change: p.Cys317fs; shifts the reading frame from cysteine 317.
Molecular consequence: frameshift variant.
Genome position (GRCh38, 1-based): chr19:46,756,399, T deleted. VCF-style (leftmost placement, unchanged base first): chr19-46756398-CT-C. GRCh37 (hg19) VCF-style: chr19-47259655-CT-C.
Other names: c.949del, p.Cys317fs (NM_001039885.3); short protein forms C317fs.
Identifiers: ClinVar variation 1920325 (VCV001920325.7), dbSNP rs2513994525, ClinGen allele CA2580097445.